The following is an entry in ClinVar:

NM_024408.4(NOTCH2):c.4847A>G (p.Gln1616Arg)

Gene: NOTCH2 (notch receptor 2; minus strand). Cytogenetic location: 1p12.
Variant type: single nucleotide variant.
Coding change: c.4847A>G on transcript NM_024408.4 (MANE Select); coding-DNA position 4847, A replaced by G.
Protein change: p.Gln1616Arg; replaces glutamine 1616 with arginine.
Molecular consequence: missense variant.
Genome position (GRCh38, 1-based): chr1:119,923,649, T>C on the plus strand (A>G on the coding strand, the complement: NOTCH2 is on the minus strand). VCF-style: chr1-119923649-T-C. GRCh37 (hg19) VCF-style: chr1-120466272-T-C.
Other names: short protein forms Q1616R.
Identifiers: ClinVar variation 3695699 (VCV003695699.2).

ClinVar aggregate classification (germline): Uncertain significance (1 of 4 stars; one submission).

Conditions:
Hajdu-Cheney syndrome (HJCYS). Also called: SERPENTINE FIBULA-POLYCYSTIC KIDNEY SYNDROME; Acroosteolysis dominant type; ACROOSTEOLYSIS WITH OSTEOPOROSIS AND CHANGES IN SKULL AND MANDIBLE. Identifiers: Orphanet 955, MedGen C0917715, MONDO:0007057, OMIM 102500.

Submission:

Labcorp Genetics (formerly Invitae), Labcorp
Classification: Uncertain significance for Hajdu-Cheney syndrome. Last evaluated: 2025-09-05. Review status: criteria provided, single submitter. Criteria: Invitae Variant Classification Sherloc (09022015). Collection method: clinical testing. Allele origin: germline.
Comment: This sequence change replaces glutamine, which is neutral and polar, with arginine, which is basic and polar, at codon 1616 of the NOTCH2 protein (p.Gln1616Arg). This variant is not present in population databases (gnomAD no frequency). This variant has not been reported in the literature in individuals affected with NOTCH2-related conditions. ClinVar contains an entry for this variant (Variation ID: 3695699). Invitae Evidence Modeling of protein sequence and biophysical properties (such as structural, functional, and spatial information, amino acid conservation, physicochemical variation, residue mobility, and thermodynamic stability) indicates that this missense variant is not expected to disrupt NOTCH2 protein function with a negative predictive value of 80%. In summary, the available evidence is currently insufficient to determine the role of this variant in disease. Therefore, it has been classified as a Variant of Uncertain Significance.